The following is an entry in ClinVar:

ClinVar aggregate classification (germline): Likely pathogenic (1 of 4 stars; one submission).

Submission:

GeneDx
Classification: Likely pathogenic. Last evaluated: 2018-01-30. Review status: criteria provided, single submitter. Criteria: GeneDx Variant Classification (06012015). Collection method: clinical testing. Allele origin: germline. Affected: yes.
Comment: The P205R missense variant in the ELANE gene has been reported previously in association with severe congenital neutropenia (Ancliff et al., 2001). The variant is not observed at a significant frequency in large population cohorts (Lek et al., 2016). The variant is a non-conservative amino acid substitution within the Peptidase S1 domain, which is likely to impact secondary protein structure as these residues differ in polarity, charge, size and/or other properties. In-silico analyses, including protein predictors and evolutionary conservation, support a deleterious effect. In summary, this variant is likely pathogenic.

NM_001972.4(ELANE):c.614C>G (p.Pro205Arg)

Gene: ELANE (elastase, neutrophil expressed; plus strand). Cytogenetic location: 19p13.3.
Variant type: single nucleotide variant.
Coding change: c.614C>G on transcript NM_001972.4 (MANE Select); coding-DNA position 614, C replaced by G.
Protein change: p.Pro205Arg; replaces proline 205 with arginine.
Molecular consequence: missense variant.
Genome position (GRCh38, 1-based): chr19:855,974, C>G. VCF-style: chr19-855974-C-G. GRCh37 (hg19) VCF-style: chr19-855974-C-G.
Other names: c.614C>G (LRG_57t1); short protein forms P205R.
Identifiers: ClinVar variation 495228 (VCV000495228.2), dbSNP rs1555710077, ClinGen allele CA402918904.